The following is an entry in ClinVar:

ClinVar aggregate classification (germline): Pathogenic. Review status: criteria provided, multiple submitters, no conflicts (2 of 4 stars). 10 submissions from 10 submitters: Pathogenic (9). 1 of the submissions does not count toward it. Last evaluated 2026-06-30.

Conditions:
Cardiovascular phenotype. Identifiers: MedGen CN230736.
Dystrophin deficiency.
DMD-related disorder. Also called: DMD-related condition.
Becker muscular dystrophy (BMD). Also called: MUSCULAR DYSTROPHY, PSEUDOHYPERTROPHIC PROGRESSIVE, BECKER TYPE; Becker Muscular Dystrophy (BMD). Identifiers: Orphanet 98895, MedGen C0917713, MONDO:0010311, OMIM 300376.
Duchenne muscular dystrophy (DMD). Also called: MUSCULAR DYSTROPHY, PSEUDOHYPERTROPHIC PROGRESSIVE, DUCHENNE TYPE; Duchenne Muscular Dystrophy (DMD). Identifiers: Orphanet 98896, MedGen C0013264, MONDO:0010679, OMIM 310200.
Dilated cardiomyopathy 3B (CMD3B). Also called: CMD3B: DMD-Related Dilated Cardiomyopathy; CARDIOMYOPATHY, DILATED, X-LINKED; DMD-Associated Dilated Cardiomyopathy. Identifiers: Orphanet 154, MedGen C3668940, MONDO:0010542, OMIM 302045.

Submissions (10):

Ambry Genetics
Classification: Pathogenic for Cardiovascular phenotype. Last evaluated: 2026-06-30. Review status: criteria provided, single submitter. Criteria: Ambry Variant Classification Scheme 2023. Collection method: clinical testing. Allele origin: germline.
Comment: The p.R195* pathogenic mutation (also known as c.583C>T), located in coding exon 7 of the DMD gene, results from a C to T substitution at nucleotide position 583. This changes the amino acid from an arginine to a stop codon within coding exon 7. This variant was reported in individual(s) with features consistent with DMD-related dystrophinopathy (Fajkusov&aacute; L et al. Neuromuscul Disord, 2001 Mar;11:133-8; Cho A et al. Muscle Nerve, 2017 May;55:727-734; Zhang J et al. BMC Med Genet, 2019 Nov;20:180; Tomar S et al. Am J Med Genet C Semin Med Genet, 2019 Jun;181:230-244; Kohli S et al. Indian J Pediatr, 2020 Jul;87:495-504; De Palma FDE et al. Diagnostics (Basel), 2021 Oct;11; Brogna C et al. Neuromuscul Disord, 2021 Jun;31:479-488; Gan S et al. Front Neurosci, 2022 Nov;16:992546; Amr K et al. J Genet Eng Biotechnol, 2024 Dec;22:100436; Ge L et al. Open Med (Wars), 2024 Nov;19:20240916; Ambry internal data). This variant is considered to be rare based on population cohorts in the Genome Aggregation Database (gnomAD). This alteration is expected to result in loss of function by premature protein truncation or nonsense-mediated mRNA decay. As such, this alteration is interpreted as a disease-causing mutation.

Labcorp Genetics (formerly Invitae), Labcorp
Classification: Pathogenic for Duchenne muscular dystrophy. Last evaluated: 2025-01-31. Review status: criteria provided, single submitter. Criteria: Invitae Variant Classification Sherloc (09022015). Collection method: clinical testing. Allele origin: germline.
Comment: This sequence change creates a premature translational stop signal (p.Arg195*) in the DMD gene. It is expected to result in an absent or disrupted protein product. Loss-of-function variants in DMD are known to be pathogenic (PMID: 16770791, 25007885). This variant is not present in population databases (gnomAD no frequency). This premature translational stop signal has been observed in individuals with Duchenne or Becker muscular dystrophy (PMID: 11257468, 15643612, 18653336, 19783145, 21969337, 23536893, 27593222). This variant is also known as 791C>T. ClinVar contains an entry for this variant (Variation ID: 94684). For these reasons, this variant has been classified as Pathogenic.

GeneDx
Classification: Pathogenic. Last evaluated: 2024-09-12. Review status: criteria provided, single submitter. Criteria: GeneDx Variant Classification Process June 2021. Collection method: clinical testing. Allele origin: germline. Affected: yes.
Comment: Reported previously in association with dystrophinopathy, most often with Duchenne muscular dystrophy, in published literature, in the Leiden Open Variation Database, and in individuals referred for genetic testing at GeneDx (PMID: 11257468, 19783145, 24265581; Shawky et al., 2014; LOVD); Nonsense variant predicted to result in protein truncation or nonsense mediated decay in a gene for which loss of function is a known mechanism of disease; Not observed at significant frequency in large population cohorts (gnomAD); Based on the understanding of this genetic alteration, it may be amenable to nonsense read-through therapy that is currently available or in clinical trial; This variant is associated with the following publications: (PMID: 11524473, 18653336, 19959795, 17435279, 25525159, 15643612, 21969337, 19937601, 16049303, 11257468, 19783145, 36419457, 36129056, 24265581, 27593222, 31081998, 31727011, 33773883, 34679607, 32358784)

Blueprint Genetics
Classification: Pathogenic for DMD-related disorders. Last evaluated: 2023-02-24. Review status: criteria provided, single submitter. Criteria: ACMG Guidelines, 2015. Collection method: clinical testing. Allele origin: germline. Affected: yes. Observed: 1 variant allele.

3billion
Classification: Pathogenic for Duchenne muscular dystrophy. Last evaluated: 2022-09-01. Review status: criteria provided, single submitter. Criteria: ACMG Guidelines, 2015. Collection method: clinical testing. Allele origin: germline. Affected: yes. Observed: 1 hemizygote.
Comment: The variant is not observed in the gnomAD v2.1.1 dataset. Stop-gained (nonsense) is predicted to result in a loss or disruption of normal protein function through nonsense-mediated decay (NMD) or protein truncation. Multiple pathogenic variants are reported downstream of the variant. The variant has been reported at least twice as pathogenic with clinical assertions and evidence for the classification (ClinVar ID: VCV000094684 / PMID: 11257468). Therefore, this variant is classified as Pathogenic according to the recommendation of ACMG/AMP guideline.

Fulgent Genetics
Classification: Pathogenic for Becker muscular dystrophy; Dilated cardiomyopathy 3B; Duchenne muscular dystrophy. Last evaluated: 2021-11-23. Review status: criteria provided, single submitter. Criteria: ACMG Guidelines, 2015. Collection method: clinical testing. Allele origin: unknown.

Revvity Omics, Revvity
Classification: Pathogenic. Last evaluated: 2020-05-25. Review status: criteria provided, single submitter. Criteria: ACMG Guidelines, 2015. Collection method: clinical testing. Allele origin: germline.

Athena Diagnostics
Classification: Pathogenic for Duchenne muscular dystrophy. Last evaluated: 2015-06-22. Review status: criteria provided, single submitter. Criteria: Athena Diagnostics Criteria. Collection method: clinical testing. Allele origin: germline. Inheritance: X-linked recessive inheritance.
Comment: X-linked recessive inheritance

Eurofins Ntd Llc (ga)
Classification: Pathogenic. Last evaluated: 2013-05-06. Review status: criteria provided, single submitter. Criteria: EGL Classification Definitions 2015. Collection method: clinical testing. Allele origin: germline. Observed: 2 variant alleles, 2 hemizygotes.

Natera, Inc.
Classification: Pathogenic for Dystrophin deficiency. Last evaluated: 2020-09-16. Review status: no assertion criteria provided. Collection method: clinical testing. Allele origin: germline. Not counted in ClinVar's aggregate classification.

Literature cited by the submitters: PubMed 11257468 (cited by 3 submitters); PubMed 27593222 (cited by Ambry Genetics and Labcorp Genetics (formerly Invitae), Labcorp); PubMed 31081998 (cited by Ambry Genetics); PubMed 31727011 (cited by Ambry Genetics); PubMed 32358784 (cited by Ambry Genetics); PubMed 33773883 (cited by Ambry Genetics); PubMed 34679607 (cited by Ambry Genetics); PubMed 36419457 (cited by Ambry Genetics); PubMed 39588385 (cited by Ambry Genetics); PubMed 39674649 (cited by Ambry Genetics); PubMed 16770791 (cited by Labcorp Genetics (formerly Invitae), Labcorp); PubMed 25007885 (cited by Labcorp Genetics (formerly Invitae), Labcorp); PubMed 15643612 (cited by Labcorp Genetics (formerly Invitae), Labcorp and Athena Diagnostics); PubMed 18653336 (cited by Labcorp Genetics (formerly Invitae), Labcorp); PubMed 19783145 (cited by Labcorp Genetics (formerly Invitae), Labcorp and Athena Diagnostics); PubMed 21969337 (cited by Labcorp Genetics (formerly Invitae), Labcorp and Athena Diagnostics); PubMed 23536893 (cited by Labcorp Genetics (formerly Invitae), Labcorp); PubMed 19074751 (cited by Athena Diagnostics).

NM_004006.3(DMD):c.583C>T (p.Arg195Ter)

Gene: DMD (dystrophin; minus strand). Cytogenetic location: Xp21.1.
Variant type: single nucleotide variant.
Coding change: c.583C>T on transcript NM_004006.3 (MANE Select); coding-DNA position 583, C replaced by T.
Protein change: p.Arg195Ter; replaces arginine 195 with a stop codon.
Molecular consequence: nonsense.
Genome position (GRCh38, 1-based): chrX:32,809,559, G>A on the plus strand (C>T on the coding strand, the complement: DMD is on the minus strand). VCF-style: chrX-32809559-G-A. GRCh37 (hg19) VCF-style: chrX-32827676-G-A.
Other names: NP_003997.1:p.Arg195*; c.559C>T, p.Arg187Ter (NM_000109.4); c.571C>T, p.Arg191Ter (NM_004009.3); c.214C>T, p.Arg72Ter (NM_004010.3); short protein forms R195*, R191*, R72*, R187*.
Identifiers: ClinVar variation 94684 (VCV000094684.26), dbSNP rs398123999, ClinGen allele CA267083.